The following is an entry in ClinVar:

ClinVar aggregate classification (germline): Pathogenic (0 of 4 stars; one submission).

Conditions:
Bartter disease type 3. Also called: Bartter syndrome type 3. Identifiers: Orphanet 112, Orphanet 93605, MedGen C1846343, MONDO:0011822, OMIM 607364.
Bartter disease type 4B. Also called: BARTTER SYNDROME, TYPE 4B; Bartter syndrome, type 4b, digenic; BARTTER SYNDROME, TYPE 4B, NEONATAL, WITH SENSORINEURAL DEAFNESS. Identifiers: Orphanet 112, MedGen C4310805, MONDO:0000909, OMIM 613090.

Submission:

Fulgent Genetics
Classification: Pathogenic for Bartter disease type 3; Bartter disease type 4B. Review status: no assertion criteria provided. Collection method: clinical testing. Allele origin: unknown.
Comment: This variant has been detected in individual(s) who were sent for testing of Renasight - kidney gene panel.

GRCh37/hg19 1p36.13(chr1:16370960-16383841)

Gene: CLCNKB (chloride voltage-gated channel Kb; plus strand). Cytogenetic location: 1p36.13.
Variant type: copy number loss.
Identifiers: ClinVar variation 1179108 (VCV001179108.2).